The following is an entry in ClinVar:

NM_000824.5(GLRB):c.838A>G (p.Ile280Val)

Gene: GLRB (glycine receptor beta; plus strand). Cytogenetic location: 4q32.1.
Variant type: single nucleotide variant.
Coding change: c.838A>G on transcript NM_000824.5 (MANE Select); coding-DNA position 838, A replaced by G.
Protein change: p.Ile280Val; replaces isoleucine 280 with valine.
Molecular consequence: missense variant.
Genome position (GRCh38, 1-based): chr4:157,143,893, A>G. VCF-style: chr4-157143893-A-G. GRCh37 (hg19) VCF-style: chr4-158065045-A-G.
Other names: c.838A>G, p.Ile280Val (NM_001166060.2, NM_001166061.2); c.838A>G (NM_000824.4); short protein forms I280V.
Identifiers: ClinVar variation 1588001 (VCV001588001.11), dbSNP rs199840817, ClinGen allele CA3119881.

ClinVar aggregate classification (germline): Conflicting classifications of pathogenicity. Review status: criteria provided, conflicting classifications (1 of 4 stars). 4 submissions from 4 submitters: Uncertain significance (2); Likely benign (2). Last evaluated 2025-12-19.

Conditions:
Inborn genetic diseases. Identifiers: MedGen C0950123, MeSH D030342.
GLRB-related disorder. Also called: GLRB-related condition.
Hyperekplexia 2 (HKPX2). Identifiers: Orphanet 3197, MedGen C3553291, MONDO:0013828, OMIM 614619.

Allele frequency attached by ClinVar (database versions not stated): gnomAD exomes 0.00006 and 0.00007; gnomAD 0.00007 and 0.00008; ExAC 0.00009; TOPMed 0.00011; ESP Exome Variant Server 0.00015.
gnomAD v4.1: 106 of 1,613,854 alleles (0.0066%); highest among the groups gnomAD compares: Admixed American, 0.0083%; no homozygotes.

Submissions (4):

Labcorp Genetics (formerly Invitae), Labcorp
Classification: Likely benign for Hyperekplexia 2. Last evaluated: 2025-12-19. Review status: criteria provided, single submitter. Criteria: Invitae Variant Classification Sherloc (09022015). Collection method: clinical testing. Allele origin: germline.

Ambry Genetics
Classification: Uncertain significance for Inborn genetic diseases. Last evaluated: 2025-06-11. Review status: criteria provided, single submitter. Criteria: Ambry Variant Classification Scheme 2023. Collection method: clinical testing. Allele origin: germline.

PreventionGenetics, part of Exact Sciences
Classification: Uncertain significance for GLRB-related condition. Last evaluated: 2023-09-14. Review status: criteria provided, single submitter. Criteria: ACMG Guidelines, 2015. Collection method: clinical testing. Allele origin: germline.
Comment: The GLRB c.838A>G variant is predicted to result in the amino acid substitution p.Ile280Val. To our knowledge, this variant has not been reported in the literature. This variant is reported in 0.014% of alleles in individuals of European (Non-Finnish) descent in gnomAD. At this time, the clinical significance of this variant is uncertain due to the absence of conclusive functional and genetic evidence.

Breakthrough Genomics
Classification: Likely benign. Review status: criteria provided, single submitter. Criteria: ACMG Guidelines, 2015. Collection method: not provided. Allele origin: germline. Inheritance: Autosomal recessive inheritance. Affected: yes.